The following is an entry in ClinVar:

NM_007215.4(POLG2):c.328C>G (p.Leu110Val)

Genes: MILR1 (mast cell immunoglobulin like receptor 1; plus strand), POLG2 (DNA polymerase gamma 2, accessory subunit; minus strand). Cytogenetic location: 17q23.3.
Variant type: single nucleotide variant.
Coding change: c.328C>G on transcript NM_007215.4 (MANE Select); coding-DNA position 328, C replaced by G.
Protein change: p.Leu110Val; replaces leucine 110 with valine.
Molecular consequence: missense variant.
Genome position (GRCh38, 1-based): chr17:64,496,641, G>C on the plus strand (C>G on the coding strand, the complement: POLG2 is on the minus strand). VCF-style: chr17-64496641-G-C. GRCh37 (hg19) VCF-style: chr17-62492759-G-C.
Other names: p.Leu110Val; short protein forms L110V.
Identifiers: ClinVar variation 721430 (VCV000721430.11), dbSNP rs782703026, ClinGen allele CA8713050.

ClinVar aggregate classification (germline): Conflicting classifications of pathogenicity. Review status: criteria provided, conflicting classifications (1 of 4 stars). 4 submissions from 4 submitters: Uncertain significance (1); Likely benign (2). 1 of the submissions does not count toward it. Last evaluated 2026-01-21.

Conditions:
POLG2-related disorder. Also called: POLG2-related condition; POLG2-related disorders.

Allele frequency attached by ClinVar (database versions not stated): gnomAD 0.00007; gnomAD exomes 0.00007 and 0.00034; TOPMed 0.00010; ExAC 0.00026.
gnomAD v4.1: 103 of 1,613,836 alleles (0.0064%); highest among the groups gnomAD compares: Admixed American, 0.16%; 1 homozygote.

Submissions (4):

Labcorp Genetics (formerly Invitae), Labcorp
Classification: Likely benign. Last evaluated: 2026-01-21. Review status: criteria provided, single submitter. Criteria: Invitae Variant Classification Sherloc (09022015). Collection method: clinical testing. Allele origin: germline.

Mayo Clinic Laboratories, Mayo Clinic
Classification: Likely benign. Last evaluated: 2024-11-19. Review status: criteria provided, single submitter. Criteria: ACMG Guidelines, 2015. Collection method: clinical testing. Allele origin: germline. Observed: 2 variant alleles.
Comment: BS1

ARUP Laboratories, Molecular Genetics and Genomics, ARUP Laboratories
Classification: Uncertain significance. Last evaluated: 2023-10-06. Review status: criteria provided, single submitter. Criteria: ARUP Molecular Germline Variant Investigation Process 2024. Collection method: clinical testing. Allele origin: germline.

PreventionGenetics, part of Exact Sciences
Classification: Likely benign for POLG2-related condition. Last evaluated: 2024-06-28. Review status: no assertion criteria provided. Collection method: clinical testing. Allele origin: germline. Not counted in ClinVar's aggregate classification.
Comment: This variant is classified as likely benign based on ACMG/AMP sequence variant interpretation guidelines (Richards et al. 2015 PMID: 25741868, with internal and published modifications).